The following is an entry in ClinVar:

ClinVar aggregate classification (germline): Benign. Review status: criteria provided, multiple submitters, no conflicts (2 of 4 stars). 5 submissions from 4 submitters: Benign (5). Last evaluated 2021-07-08.

Conditions:
Neu-Laxova syndrome 1 (NLS1). Identifiers: Orphanet 2671, Orphanet 583607, MedGen C4551478, MONDO:0009736, OMIM 256520. Disease mechanism: loss of function.
PHGDH deficiency. Identifiers: Orphanet 79351, MedGen C1866174, MONDO:0011152, OMIM 601815.

Allele frequency attached by ClinVar (database versions not stated): 1000 Genomes Project 0.69828; gnomAD 0.62211 and 0.61476; TOPMed 0.62295; gnomAD exomes 0.63532.

Submissions (5):

Genome-Nilou Lab
Classification: Benign for Neu-Laxova syndrome 1. Last evaluated: 2021-07-08. Review status: criteria provided, single submitter. Criteria: ACMG Guidelines, 2015. Collection method: clinical testing. Allele origin: germline. Affected: no.

Genome-Nilou Lab
Classification: Benign for PHGDH deficiency. Last evaluated: 2021-07-08. Review status: criteria provided, single submitter. Criteria: ACMG Guidelines, 2015. Collection method: clinical testing. Allele origin: germline. Affected: no.

GeneDx
Classification: Benign. Last evaluated: 2021-03-08. Review status: criteria provided, single submitter. Criteria: GeneDx Variant Classification Process June 2021. Collection method: clinical testing. Allele origin: germline. Affected: yes.

Illumina Laboratory Services, Illumina
Classification: Benign for PHGDH deficiency. Last evaluated: 2018-01-12. Review status: criteria provided, single submitter. Criteria: ICSL Variant Classification Criteria 13 December 2019. Collection method: clinical testing. Allele origin: germline.
Comment: This variant was observed in the ICSL laboratory as part of a predisposition screen in an ostensibly healthy population. It had not been previously curated by ICSL or reported in the Human Gene Mutation Database (HGMD: prior to June 1st, 2018), and was therefore a candidate for classification through an automated scoring system. Utilizing variant allele frequency, disease prevalence and penetrance estimates, and inheritance mode, an automated score was calculated to assess if this variant is too frequent to cause the disease. Based on the score and internal cut-off values, a variant classified as benign is not then subjected to further curation. The score for this variant resulted in a classification of benign for this disease.

Breakthrough Genomics
Classification: Benign. Review status: criteria provided, single submitter. Criteria: ACMG Guidelines, 2015. Collection method: not provided. Allele origin: germline. Inheritance: Autosomal recessive inheritance. Affected: yes.

NM_006623.3(PHGDH):c.-140A>G

Gene: PHGDH (phosphoglycerate dehydrogenase; plus strand). Cytogenetic location: 1p12.
Variant type: single nucleotide variant.
Coding change: c.-140A>G on transcript NM_006623.3; 140 bases upstream of the start codon, A replaced by G.
Genome position (GRCh38, 1-based): chr1:119,711,883, A>G. VCF-style: chr1-119711883-A-G. GRCh37 (hg19) VCF-style: chr1-120254506-A-G.
Identifiers: ClinVar variation 292299 (VCV000292299.13), dbSNP rs561931, ClinGen allele CA10607966.
Genomic context (GRCh38, chr1:119,711,883, plus strand): 5'-GAGGAGGAGGCGGAGTCGCGGAGAGTTTGAGTATTTCCGTCCAATCAAAAGGAGACTGTA[A>G]GAGGAGGAGGAGGAGGAGATGACTGGGGAGCGGGAGCTGGAGAATACTGCCCAGTTACTC-3'